The following is an entry in ClinVar:

ClinVar aggregate classification (germline): Uncertain significance (1 of 4 stars; one submission).

Conditions:
Hereditary cancer-predisposing syndrome. Also called: Neoplastic Syndromes, Hereditary; Tumor predisposition; Hereditary Cancer Syndrome; Hereditary neoplastic syndrome. Identifiers: Orphanet 140162, MedGen C0027672, MeSH D009386, MONDO:0015356.

gnomAD v4.1: 1 of 1,614,160 alleles (0.000062%); highest among the groups gnomAD compares: East Asian, 0.0022%; no homozygotes.

Submission:

Ambry Genetics
Classification: Uncertain significance for Hereditary cancer-predisposing syndrome. Last evaluated: 2025-11-17. Review status: criteria provided, single submitter. Criteria: Ambry Variant Classification Scheme 2023. Collection method: clinical testing. Allele origin: germline.
Comment: The p.V1059A variant (also known as c.3176T>C), located in coding exon 5 of the MSH6 gene, results from a T to C substitution at nucleotide position 3176. The valine at codon 1059 is replaced by alanine, an amino acid with similar properties. This amino acid position is highly conserved in available vertebrate species. In addition, this alteration is predicted to be deleterious by in silico analysis. Based on the available evidence, the clinical significance of this variant remains unclear.

NM_000179.3(MSH6):c.3176T>C (p.Val1059Ala)

Gene: MSH6 (mutS homolog 6; plus strand). Cytogenetic location: 2p16.3.
Variant type: single nucleotide variant.
Coding change: c.3176T>C on transcript NM_000179.3 (MANE Select); coding-DNA position 3176, T replaced by C.
Protein change: p.Val1059Ala; replaces valine 1059 with alanine.
Molecular consequence: missense variant. On other transcripts: 5 prime UTR variant (1), non-coding transcript variant (5), intron variant (1).
Genome position (GRCh38, 1-based): chr2:47,803,423, T>C. VCF-style: chr2-47803423-T-C. GRCh37 (hg19) VCF-style: chr2-48030562-T-C.
Other names: c.2786T>C, p.Val929Ala (NM_001281492.2); c.2270T>C, p.Val757Ala (NM_001281493.2, NM_001281494.2, NM_001406811.1 and 6 more transcripts); c.3272T>C, p.Val1091Ala (NM_001406795.1, NM_001406802.1); c.3176T>C, p.Val1059Ala (NM_001406796.1, NM_001406800.1, NM_001406808.1 and 1 more transcripts); c.2879T>C, p.Val960Ala (NM_001406797.1, NM_001406801.1, NM_001406805.1 and 10 more transcripts); c.2651T>C, p.Val884Ala (NM_001406799.1, NM_001406806.1, NM_001406807.1); c.2312T>C, p.Val771Ala (NM_001406803.1); c.3098T>C, p.Val1033Ala (NM_001406804.1); and 7 more; short protein forms V1059A, V1091A, V374A, V537A, V757A, V771A, V8A, V929A.
Identifiers: ClinVar variation 4657972 (VCV004657972.1).